The following is an entry in ClinVar:

NM_002637.4(PHKA1):c.784G>A (p.Val262Met)

Gene: PHKA1 (phosphorylase kinase regulatory subunit alpha 1; minus strand). Cytogenetic location: Xq13.1.
Variant type: single nucleotide variant.
Coding change: c.784G>A on transcript NM_002637.4 (MANE Select); coding-DNA position 784, G replaced by A.
Protein change: p.Val262Met; replaces valine 262 with methionine.
Molecular consequence: missense variant.
Genome position (GRCh38, 1-based): chrX:72,666,231, C>T on the plus strand (G>A on the coding strand, the complement: PHKA1 is on the minus strand). VCF-style: chrX-72666231-C-T. GRCh37 (hg19) VCF-style: chrX-71886081-C-T.
Other names: c.784G>A, p.Val262Met (NM_001122670.2, NM_001172436.2); c.784G>A (NM_002637.3); short protein forms V262M.
Identifiers: ClinVar variation 2959503 (VCV002959503.4), dbSNP rs782808363, ClinGen allele CA331072075.
Genomic context (GRCh38, chrX:72,666,231, plus strand): 5'-CCTGTTTTGTGAGCTCCACCAACTGGCTATCCTCTACTGCAAAGGCAGGGAAGGAAACCA[C>T]TGAGAGTAGACTAGCATCAACCTCTTTTGATGTTGAAGCACGGGGCAGTAGTGAATTTAG-3'
Protein context (NP_002628.2, residues 252-272): SKEVDASLLS[Val262Met]VSFPAFAVED

ClinVar aggregate classification (germline): Uncertain significance. Review status: criteria provided, multiple submitters, no conflicts (2 of 4 stars). 2 submissions from 2 submitters: Uncertain significance (2). Last evaluated 2025-05-16.

Conditions:
Glycogen storage disease IXd (GSD9D). Also called: Muscle Phosphorylase Kinase Deficiency; GSD IXd. Identifiers: Orphanet 715, MedGen C1845151, MONDO:0010362, OMIM 300559.
PHKA1-related disorder. Also called: PHKA1-related condition.

Submissions (2):

PreventionGenetics, part of Exact Sciences
Classification: Uncertain significance for PHKA1-related condition. Last evaluated: 2025-05-16. Review status: criteria provided, single submitter. Criteria: ACMG Guidelines, 2015. Collection method: clinical testing. Allele origin: germline.
Comment: The PHKA1 c.784G>A variant is predicted to result in the amino acid substitution p.Val262Met. To our knowledge, this variant has not been reported in the literature or in a large population database (gnomAD), indicating this variant is rare. At this time, the clinical significance of this variant is uncertain due to the absence of conclusive functional and genetic evidence.

Labcorp Genetics (formerly Invitae), Labcorp
Classification: Uncertain significance for Glycogen storage disease IXd. Last evaluated: 2023-01-03. Review status: criteria provided, single submitter. Criteria: Invitae Variant Classification Sherloc (09022015). Collection method: clinical testing. Allele origin: germline.
Comment: This sequence change replaces valine, which is neutral and non-polar, with methionine, which is neutral and non-polar, at codon 262 of the PHKA1 protein (p.Val262Met). This variant is not present in population databases (gnomAD no frequency). In summary, the available evidence is currently insufficient to determine the role of this variant in disease. Therefore, it has been classified as a Variant of Uncertain Significance. Algorithms developed to predict the effect of sequence changes on RNA splicing suggest that this variant may create or strengthen a splice site. Advanced modeling of protein sequence and biophysical properties (such as structural, functional, and spatial information, amino acid conservation, physicochemical variation, residue mobility, and thermodynamic stability) performed at Invitae indicates that this missense variant is not expected to disrupt PHKA1 protein function. This variant has not been reported in the literature in individuals affected with PHKA1-related conditions.